The following is an entry in ClinVar:

NM_007294.4(BRCA1):c.3642G>T (p.Glu1214Asp)

Genes: BRCA1 (BRCA1 DNA repair associated; minus strand), LOC126862571 (BRD4-independent group 4 enhancer GRCh37_chr17:41243136-41244335; plus strand). Cytogenetic location: 17q21.31.
Variant type: single nucleotide variant.
Coding change: c.3642G>T on transcript NM_007294.4 (MANE Select); coding-DNA position 3642, G replaced by T.
Protein change: p.Glu1214Asp; replaces glutamic acid 1214 with aspartic acid.
Molecular consequence: missense variant. On other transcripts: intron variant (135).
Genome position (GRCh38, 1-based): chr17:43,091,889, C>A on the plus strand (G>T on the coding strand, the complement: BRCA1 is on the minus strand). VCF-style: chr17-43091889-C-A. GRCh37 (hg19) VCF-style: chr17-41243906-C-A.
Other names: 3761G>T; c.3306G>T, p.Glu1102Asp (NM_001407958.1, NM_001407954.1, NM_001407955.1 and 1 more transcripts); c.3261G>T, p.Glu1087Asp (NM_001407959.1, NM_001407960.1, NM_001407963.1); c.3258G>T, p.Glu1086Asp (NM_001407962.1); c.3498G>T, p.Glu1166Asp (NM_001407964.1, NM_001407740.1, NM_001407741.1 and 20 more transcripts); c.3138G>T, p.Glu1046Asp (NM_001407965.1); c.2754G>T, p.Glu918Asp (NM_001407966.1, NM_001407967.1); c.1038G>T, p.Glu346Asp (NM_001407968.1, NM_001407969.1); and 42 more; short protein forms E1214D, E1167D, E1102D, E1126D, E1146D, E1147D, E1173D, E1211D.
Identifiers: ClinVar variation 91610 (VCV000091610.19), dbSNP rs398122675, ClinGen allele CA002332.

ClinVar aggregate classification (germline): Conflicting classifications of pathogenicity. Review status: criteria provided, conflicting classifications (1 of 4 stars). 5 submissions from 5 submitters: Uncertain significance (2); Likely benign (1). 2 of the submissions do not count toward it. Last evaluated 2025-09-10.

Conditions:
Hereditary cancer-predisposing syndrome. Also called: Hereditary Cancer Syndrome; Hereditary neoplastic syndrome; Neoplastic Syndromes, Hereditary; Tumor predisposition. Identifiers: Orphanet 140162, MedGen C0027672, MeSH D009386, MONDO:0015356.
Breast-ovarian cancer, familial, susceptibility to, 1 (BROVCA1). Also called: BRCA1 Hereditary Breast and Ovarian Cancer; OVARIAN CANCER, SUSCEPTIBILITY TO. Identifiers: Orphanet 145, MedGen C2676676, MONDO:0011450, OMIM 604370. Disease mechanism: loss of function.
Hereditary breast ovarian cancer syndrome. Also called: BRCA1- and BRCA2-Associated Hereditary Breast and Ovarian Cancer; Hereditary breast and ovarian cancer syndrome; Hereditary breast and ovarian cancer syndrome (HBOC); Breast and ovarian cancer; Hereditary breast and/or ovarian cancer syndrome; Hereditary breast and ovarian cancer. Identifiers: Orphanet 145, MedGen C0677776, MeSH D061325, MONDO:0003582. Disease mechanism: loss of function.

gnomAD v4.1: 1 of 1,614,130 alleles (0.000062%); highest among the groups gnomAD compares: Admixed American, 0.0017%; no homozygotes.

Submissions (5):

Ambry Genetics
Classification: Uncertain significance for Hereditary cancer-predisposing syndrome. Last evaluated: 2025-09-10. Review status: criteria provided, single submitter. Criteria: Ambry Variant Classification Scheme 2023. Collection method: clinical testing. Allele origin: germline.

Labcorp Genetics (formerly Invitae), Labcorp
Classification: Uncertain significance for Hereditary breast ovarian cancer syndrome. Last evaluated: 2025-06-10. Review status: criteria provided, single submitter. Criteria: Invitae Variant Classification Sherloc (09022015). Collection method: clinical testing. Allele origin: germline.
Comment: This sequence change replaces glutamic acid, which is acidic and polar, with aspartic acid, which is acidic and polar, at codon 1214 of the BRCA1 protein (p.Glu1214Asp). This variant is present in population databases (rs398122675, gnomAD 0.003%). This variant has not been reported in the literature in individuals affected with BRCA1-related conditions. ClinVar contains an entry for this variant (Variation ID: 91610). Invitae Evidence Modeling of protein sequence and biophysical properties (such as structural, functional, and spatial information, amino acid conservation, physicochemical variation, residue mobility, and thermodynamic stability) indicates that this missense variant is not expected to disrupt BRCA1 protein function with a negative predictive value of 80%. In summary, the available evidence is currently insufficient to determine the role of this variant in disease. Therefore, it has been classified as a Variant of Uncertain Significance.

University of Washington Department of Laboratory Medicine, University of Washington
Classification: Likely benign for Hereditary cancer-predisposing syndrome. Last evaluated: 2023-03-23. Review status: criteria provided, single submitter. Criteria: Dines et al. (Genet Med. 2020). Collection method: curation. Allele origin: germline.
Comment: Missense variant in a coldspot region where missense variants are very unlikely to be pathogenic (PMID:31911673).

BRCA1 coldspot (exon 11 using historical exon numbering). Reclassification based on statistical prior probability

Counsyl
Classification: Uncertain significance for Breast-ovarian cancer, familial, susceptibility to, 1. Last evaluated: 2017-12-29. Review status: no assertion criteria provided. Collection method: clinical testing. Allele origin: unknown. Not counted in ClinVar's aggregate classification.

Sharing Clinical Reports Project (SCRP)
Classification: Uncertain significance for Breast-ovarian cancer, familial 1. Last evaluated: 2012-03-26. Review status: no assertion criteria provided. Collection method: clinical testing. Allele origin: germline. Not counted in ClinVar's aggregate classification.